The following is an entry in ClinVar:

NM_001042492.3(NF1):c.7232_7258del (p.Arg2411_Val2420delinsIle)

Gene: NF1 (neurofibromin 1; plus strand). Cytogenetic location: 17q11.2.
Variant type: Deletion.
Coding change: c.7232_7258del on transcript NM_001042492.3 (MANE Select); coding-DNA positions 7232 to 7258, 27 bases deleted (GAATTTTACATACACTACTAACTCTGG).
Protein change: p.Arg2411_Val2420delinsIle.
Molecular consequence: inframe indel.
Genome position (GRCh38, 1-based): chr17:31,349,162-31,349,188, GAATTTTACATACACTACTAACTCTGG deleted. VCF-style (leftmost placement, unchanged base first): chr17-31349161-AGAATTTTACATACACTACTAACTCTGG-A. GRCh37 (hg19) VCF-style: chr17-29676179-AGAATTTTACATACACTACTAACTCTGG-A.
Other names: c.7169_7195del27, p.Arg2390_Val2399delinsIle (NM_000267.4); c.7169_7195delGAATTTTACATACACTACTAACTCTGG (NM_000267.3).
Identifiers: ClinVar variation 569304 (VCV000569304.4), dbSNP rs1567623439, ClinGen allele CA891843663.

ClinVar aggregate classification (germline): Pathogenic (1 of 4 stars; one submission).

Conditions:
Neurofibromatosis, type 1 (NF1). Also called: Peripheral type neurofibromatosis; VON RECKLINGHAUSEN DISEASE; Neurofibromatosis, type I; NEUROFIBROMATOSIS, TYPE I, SOMATIC. Identifiers: Orphanet 636, MedGen C0027831, MONDO:0018975, OMIM 162200. Disease mechanism: loss of function.

Submission:

Labcorp Genetics (formerly Invitae), Labcorp
Classification: Pathogenic for Neurofibromatosis, type 1. Last evaluated: 2023-07-14. Review status: criteria provided, single submitter. Criteria: Invitae Variant Classification Sherloc (09022015). Collection method: clinical testing. Allele origin: germline.
Comment: For these reasons, this variant has been classified as Pathogenic. This variant disrupts a region of the NF1 protein in which other variant(s) (p.Leu2395Pro) have been determined to be pathogenic (PMID: 31370276). This suggests that this is a clinically significant region of the protein, and that variants that disrupt it are likely to be disease-causing. ClinVar contains an entry for this variant (Variation ID: 569304). This variant has not been reported in the literature in individuals affected with NF1-related conditions. This variant is not present in population databases (gnomAD no frequency). This variant, c.7169_7195del, is a complex sequence change that results in the deletion of 10 and insertion of 1 amino acid(s) in the NF1 protein (p.Arg2390_Val2399delinsIle).

Literature cited by the submitters: PubMed 31370276.